The following is an entry in ClinVar:

NM_002661.5(PLCG2):c.2029A>T (p.Ser677Cys)

Gene: PLCG2 (phospholipase C gamma 2; plus strand). Cytogenetic location: 16q23.3.
Variant type: single nucleotide variant.
Coding change: c.2029A>T on transcript NM_002661.5 (MANE Select); coding-DNA position 2029, A replaced by T.
Protein change: p.Ser677Cys; replaces serine 677 with cysteine.
Molecular consequence: missense variant.
Genome position (GRCh38, 1-based): chr16:81,912,691, A>T. VCF-style: chr16-81912691-A-T. GRCh37 (hg19) VCF-style: chr16-81946296-A-T.
Other names: c.2029A>T, p.Ser677Cys (NM_001425749.1, NM_001425750.1, NM_001425751.1); short protein forms S677C.
Identifiers: ClinVar variation 2792618 (VCV002792618.3), dbSNP rs2507681435, ClinGen allele CA396901496.

ClinVar aggregate classification (germline): Uncertain significance (1 of 4 stars; one submission).

Conditions:
Familial cold autoinflammatory syndrome 3 (FCAS3). Also called: ANTIBODY DEFICIENCY AND IMMUNE DYSREGULATION, PLCG2-ASSOCIATED; FAMILIAL ATYPICAL COLD URTICARIA. Identifiers: Orphanet 300359, MedGen C3280914, MONDO:0013766, OMIM 614468.

Submission:

Labcorp Genetics (formerly Invitae), Labcorp
Classification: Uncertain significance for Familial cold autoinflammatory syndrome 3. Last evaluated: 2023-07-31. Review status: criteria provided, single submitter. Criteria: Invitae Variant Classification Sherloc (09022015). Collection method: clinical testing. Allele origin: germline.
Comment: In summary, the available evidence is currently insufficient to determine the role of this variant in disease. Therefore, it has been classified as a Variant of Uncertain Significance. An algorithm developed to predict the effect of missense changes on protein structure and function (PolyPhen-2) suggests that this variant is likely to be tolerated. This variant has not been reported in the literature in individuals affected with PLCG2-related conditions. This variant is not present in population databases (gnomAD no frequency). This sequence change replaces serine, which is neutral and polar, with cysteine, which is neutral and slightly polar, at codon 677 of the PLCG2 protein (p.Ser677Cys).